The following is an entry in ClinVar:

NM_000143.4(FH):c.607G>A (p.Val203Ile)

Gene: FH (fumarate hydratase; minus strand). Cytogenetic location: 1q43.
Variant type: single nucleotide variant.
Coding change: c.607G>A on transcript NM_000143.4 (MANE Select); coding-DNA position 607, G replaced by A.
Protein change: p.Val203Ile; replaces valine 203 with isoleucine.
Molecular consequence: missense variant.
Genome position (GRCh38, 1-based): chr1:241,508,734, C>T on the plus strand (G>A on the coding strand, the complement: FH is on the minus strand). VCF-style: chr1-241508734-C-T. GRCh37 (hg19) VCF-style: chr1-241672034-C-T.
Other names: short protein forms V203I.
Identifiers: ClinVar variation 2772866 (VCV002772866.4), dbSNP rs2527327458, ClinGen allele CA345439404.

ClinVar aggregate classification (germline): Uncertain significance. Review status: criteria provided, multiple submitters, no conflicts (2 of 4 stars). 2 submissions from 2 submitters: Uncertain significance (2). Last evaluated 2025-03-08.

Conditions:
Hereditary cancer-predisposing syndrome. Also called: Hereditary neoplastic syndrome; Hereditary Cancer Syndrome; Neoplastic Syndromes, Hereditary; Tumor predisposition. Identifiers: Orphanet 140162, MedGen C0027672, MeSH D009386, MONDO:0015356.

Submissions (2):

Ambry Genetics
Classification: Uncertain significance for Hereditary cancer-predisposing syndrome. Last evaluated: 2025-03-08. Review status: criteria provided, single submitter. Criteria: Ambry Variant Classification Scheme 2023. Collection method: clinical testing. Allele origin: germline.
Comment: The p.V203I variant (also known as c.607G>A), located in coding exon 5 of the FH gene, results from a G to A substitution at nucleotide position 607. The valine at codon 203 is replaced by isoleucine, an amino acid with highly similar properties. This amino acid position is conserved. In addition, the in silico prediction for this alteration is inconclusive. Based on the available evidence, the clinical significance of this variant remains unclear.

Labcorp Genetics (formerly Invitae), Labcorp
Classification: Uncertain significance. Last evaluated: 2023-10-30. Review status: criteria provided, single submitter. Criteria: Invitae Variant Classification Sherloc (09022015). Collection method: clinical testing. Allele origin: germline.
Comment: This sequence change replaces valine, which is neutral and non-polar, with isoleucine, which is neutral and non-polar, at codon 203 of the FH protein (p.Val203Ile). This variant is not present in population databases (gnomAD no frequency). This variant has not been reported in the literature in individuals affected with FH-related conditions. Advanced modeling of protein sequence and biophysical properties (such as structural, functional, and spatial information, amino acid conservation, physicochemical variation, residue mobility, and thermodynamic stability) performed at Invitae indicates that this missense variant is not expected to disrupt FH protein function with a negative predictive value of 95%. In summary, the available evidence is currently insufficient to determine the role of this variant in disease. Therefore, it has been classified as a Variant of Uncertain Significance.